The following is an entry in ClinVar:

ClinVar aggregate classification (germline): Uncertain significance. Review status: criteria provided, multiple submitters, no conflicts (2 of 4 stars). 4 submissions from 4 submitters: Uncertain significance (4). Last evaluated 2022-08-10.

Conditions:
Autosomal recessive ataxia, Beauce type. Also called: Spinocerebellar ataxia, autosomal recessive 8; ATAXIA, RECESSIVE, OF BEAUCE; SYNE1 Deficiency; SYNE1-Related Autosomal Recessive Cerebellar Ataxia. Identifiers: Orphanet 88644, MedGen C1853116, MONDO:0012549, OMIM 610743.
Emery-Dreifuss muscular dystrophy 4, autosomal dominant (EDMD4). Also called: EMERY-DREIFUSS MUSCULAR DYSTROPHY 4 WITH VARIABLE FEATURES. Identifiers: Orphanet 261, MedGen C2751807, MONDO:0013071, OMIM 612998.

Allele frequency attached by ClinVar (database versions not stated): gnomAD exomes 0.00003 and 0.00008; ExAC 0.00011; gnomAD 0.00032 and 0.00035; 1000 Genomes Project 0.00040; ESP Exome Variant Server 0.00046; TOPMed 0.00046; 1000 Genomes Project 30x 0.00047.
gnomAD v4.1: 102 of 1,614,118 alleles (0.0063%); highest among the groups gnomAD compares: African/African-American, 0.12%; no homozygotes.

Submissions (4):

Labcorp Genetics (formerly Invitae), Labcorp
Classification: Uncertain significance for Emery-Dreifuss muscular dystrophy 4, autosomal dominant; Autosomal recessive ataxia, Beauce type. Last evaluated: 2022-08-10. Review status: criteria provided, single submitter. Criteria: Invitae Variant Classification Sherloc (09022015). Collection method: clinical testing. Allele origin: germline.
Comment: This sequence change replaces leucine, which is neutral and non-polar, with serine, which is neutral and polar, at codon 2853 of the SYNE1 protein (p.Leu2853Ser). This variant is present in population databases (rs148242740, gnomAD 0.09%). This variant has not been reported in the literature in individuals affected with SYNE1-related conditions. ClinVar contains an entry for this variant (Variation ID: 290552). Algorithms developed to predict the effect of missense changes on protein structure and function are either unavailable or do not agree on the potential impact of this missense change (SIFT: "Deleterious"; PolyPhen-2: "Benign"; Align-GVGD: "Class C55"). Algorithms developed to predict the effect of sequence changes on RNA splicing suggest that this variant may create or strengthen a splice site. In summary, the available evidence is currently insufficient to determine the role of this variant in disease. Therefore, it has been classified as a Variant of Uncertain Significance.

GeneDx
Classification: Uncertain significance. Last evaluated: 2022-07-05. Review status: criteria provided, single submitter. Criteria: GeneDx Variant Classification Process June 2021. Collection method: clinical testing. Allele origin: germline. Affected: yes.
Comment: In silico analysis supports that this missense variant does not alter protein structure/function; Has not been previously published as pathogenic or benign to our knowledge

Revvity Omics, Revvity
Classification: Uncertain significance. Last evaluated: 2019-05-09. Review status: criteria provided, single submitter. Criteria: ACMG Guidelines, 2015. Collection method: clinical testing. Allele origin: germline.

Eurofins Ntd Llc (ga)
Classification: Uncertain significance. Last evaluated: 2016-09-01. Review status: criteria provided, single submitter. Criteria: EGL Classification Definitions 2015. Collection method: clinical testing. Allele origin: germline. Observed: 1 variant allele, 1 heterozygote.

NM_182961.4(SYNE1):c.8537T>C (p.Leu2846Ser)

Genes: SYNE1 (spectrin repeat containing nuclear envelope protein 1; minus strand), LOC126859838 (CDK7 strongly-dependent group 2 enhancer GRCh37_chr6:152706655-152707854; plus strand). Cytogenetic location: 6q25.2.
Variant type: single nucleotide variant.
Coding change: c.8537T>C on transcript NM_182961.4 (MANE Select); coding-DNA position 8537, T replaced by C.
Protein change: p.Leu2846Ser; replaces leucine 2846 with serine.
Molecular consequence: missense variant.
Genome position (GRCh38, 1-based): chr6:152,385,789, A>G on the plus strand (T>C on the coding strand, the complement: SYNE1 is on the minus strand). VCF-style: chr6-152385789-A-G. GRCh37 (hg19) VCF-style: chr6-152706924-A-G.
Other names: c.8558T>C, p.Leu2853Ser (NM_033071.5); short protein forms L2853S, L2846S.
Identifiers: ClinVar variation 290552 (VCV000290552.12), dbSNP rs148242740, ClinGen allele CA4057523.